The following is an entry in ClinVar:

NM_203447.4(DOCK8):c.1098G>A (p.Thr366=)

Gene: DOCK8 (dedicator of cytokinesis 8; plus strand). Cytogenetic location: 9p24.3.
Variant type: single nucleotide variant.
Coding change: c.1098G>A on transcript NM_203447.4 (MANE Select); coding-DNA position 1098, G replaced by A.
Protein change: p.Thr366=; no amino-acid change (threonine 366 retained).
Molecular consequence: synonymous variant.
Genome position (GRCh38, 1-based): chr9:332,451, G>A. VCF-style: chr9-332451-G-A. GRCh37 (hg19) VCF-style: chr9-332451-G-A.
Other names: c.894G>A, p.Thr298= (NM_001190458.2, NM_001193536.2).
Identifiers: ClinVar variation 748599 (VCV000748599.17), dbSNP rs139297216, ClinGen allele CA4957601.

ClinVar aggregate classification (germline): Conflicting classifications of pathogenicity. Review status: criteria provided, conflicting classifications (1 of 4 stars). 3 submissions from 3 submitters: Uncertain significance (1); Likely benign (1). 1 of the submissions does not count toward it. Last evaluated 2026-01-22.

Conditions:
DOCK8-related disorder. Also called: DOCK8-related condition.
Combined immunodeficiency due to DOCK8 deficiency (HIES2). Also called: HYPER-IgE RECURRENT INFECTION SYNDROME 2, AUTOSOMAL RECESSIVE; HYPER-IgE SYNDROME 2, AUTOSOMAL RECESSIVE, WITH RECURRENT INFECTIONS; Hyper-IgE recurrent infection syndrome, autosomal recessive; DOCK8 Deficiency; HIES autosomal recessive. Identifiers: Orphanet 217390, MedGen C4722305, MONDO:0009478, OMIM 243700.

Allele frequency attached by ClinVar (database versions not stated): gnomAD 0.00004 and 0.00007; gnomAD exomes 0.00004; TOPMed 0.00004; ExAC 0.00005; ESP Exome Variant Server 0.00008; 1000 Genomes Project 30x 0.00016; 1000 Genomes Project 0.00020.
gnomAD v4.1: 97 of 1,613,030 alleles (0.006%); highest among the groups gnomAD compares: South Asian, 0.024%; 2 homozygotes.

Submissions (3):

Labcorp Genetics (formerly Invitae), Labcorp
Classification: Likely benign for Combined immunodeficiency due to DOCK8 deficiency. Last evaluated: 2026-01-22. Review status: criteria provided, single submitter. Criteria: Invitae Variant Classification Sherloc (09022015). Collection method: clinical testing. Allele origin: germline.

Illumina Laboratory Services, Illumina
Classification: Uncertain significance for Combined immunodeficiency due to DOCK8 deficiency. Last evaluated: 2018-01-13. Review status: criteria provided, single submitter. Criteria: ICSL Variant Classification Criteria 13 December 2019. Collection method: clinical testing. Allele origin: germline.

PreventionGenetics, part of Exact Sciences
Classification: Likely benign for DOCK8-related condition. Last evaluated: 2022-04-21. Review status: no assertion criteria provided. Collection method: clinical testing. Allele origin: germline. Not counted in ClinVar's aggregate classification.
Comment: This variant is classified as likely benign based on ACMG/AMP sequence variant interpretation guidelines (Richards et al. 2015 PMID: 25741868, with internal and published modifications).